The following is an entry in ClinVar:

ClinVar aggregate classification (germline): Uncertain significance (1 of 4 stars; one submission).

gnomAD v4.1: 1 of 1,613,944 alleles (0.000062%); no homozygotes.

Submission:

Labcorp Genetics (formerly Invitae), Labcorp
Classification: Uncertain significance. Last evaluated: 2022-10-13. Review status: criteria provided, single submitter. Criteria: Invitae Variant Classification Sherloc (09022015). Collection method: clinical testing. Allele origin: germline.
Comment: ClinVar contains an entry for this variant (Variation ID: 1474673). This sequence change replaces valine with alanine at codon 52 of the KLHL9 protein (p.Val52Ala). The valine residue is moderately conserved and there is a small physicochemical difference between valine and alanine. This variant is not present in population databases (gnomAD no frequency). This variant has not been reported in the literature in individuals affected with KLHL9-related conditions. Advanced modeling of protein sequence and biophysical properties (such as structural, functional, and spatial information, amino acid conservation, physicochemical variation, residue mobility, and thermodynamic stability) performed at Invitae indicates that this missense variant is not expected to disrupt KLHL9 protein function. In summary, the available evidence is currently insufficient to determine the role of this variant in disease. Therefore, it has been classified as a Variant of Uncertain Significance.

NM_018847.4(KLHL9):c.155T>C (p.Val52Ala)

Gene: KLHL9 (kelch like family member 9; minus strand). Cytogenetic location: 9p21.3.
Variant type: single nucleotide variant.
Coding change: c.155T>C on transcript NM_018847.4 (MANE Select); coding-DNA position 155, T replaced by C.
Protein change: p.Val52Ala; replaces valine 52 with alanine.
Molecular consequence: missense variant.
Genome position (GRCh38, 1-based): chr9:21,334,705, A>G on the plus strand (T>C on the coding strand, the complement: KLHL9 is on the minus strand). VCF-style: chr9-21334705-A-G. GRCh37 (hg19) VCF-style: chr9-21334704-A-G.
Other names: short protein forms V52A.
Identifiers: ClinVar variation 1474673 (VCV001474673.6), dbSNP rs993979430, ClinGen allele CA190667611.